The following is an entry in ClinVar:

ClinVar aggregate classification (germline): Uncertain significance (1 of 4 stars; one submission).

Conditions:
Cardiovascular phenotype. Identifiers: MedGen CN230736.

gnomAD v4.1: 2 of 1,614,104 alleles (0.00012%); highest among the groups gnomAD compares: Non-Finnish European, 0.00017%; no homozygotes.

Submission:

Ambry Genetics
Classification: Uncertain significance for Cardiovascular phenotype. Last evaluated: 2025-12-07. Review status: criteria provided, single submitter. Criteria: Ambry Variant Classification Scheme 2023. Collection method: clinical testing. Allele origin: germline.
Comment: The p.I118V variant (also known as c.352A>G), located in coding exon 4 of the RIT1 gene, results from an A to G substitution at nucleotide position 352. The isoleucine at codon 118 is replaced by valine, an amino acid with highly similar properties. This amino acid position is conserved. In addition, this alteration is predicted to be tolerated by in silico analysis. Based on the available evidence, the clinical significance of this variant remains unclear.

NM_006912.6(RIT1):c.352A>G (p.Ile118Val)

Gene: RIT1 (Ras like without CAAX 1; minus strand). Cytogenetic location: 1q22.
Variant type: single nucleotide variant.
Coding change: c.352A>G on transcript NM_006912.6 (MANE Select); coding-DNA position 352, A replaced by G.
Protein change: p.Ile118Val; replaces isoleucine 118 with valine.
Molecular consequence: missense variant.
Genome position (GRCh38, 1-based): chr1:155,904,388, T>C on the plus strand (A>G on the coding strand, the complement: RIT1 is on the minus strand). VCF-style: chr1-155904388-T-C. GRCh37 (hg19) VCF-style: chr1-155874179-T-C.
Other names: c.244A>G, p.Ile82Val (NM_001256820.2); c.403A>G, p.Ile135Val (NM_001256821.2); short protein forms I82V, I118V, I135V.
Identifiers: ClinVar variation 4614839 (VCV004614839.1).